The following is an entry in ClinVar:

ClinVar aggregate classification (germline): Uncertain significance (1 of 4 stars; one submission).

Submission:

Labcorp Genetics (formerly Invitae), Labcorp
Classification: Uncertain significance. Last evaluated: 2022-07-25. Review status: criteria provided, single submitter. Criteria: Invitae Variant Classification Sherloc (09022015). Collection method: clinical testing. Allele origin: germline.
Comment: This sequence change replaces isoleucine with alanine at codon 3164 of the FAT4 protein (p.Ile3164Ala). The isoleucine residue is moderately conserved and there is a moderate physicochemical difference between isoleucine and alanine. Information on the frequency of this variant in the gnomAD database is not available, as this variant may be reported differently in the database. This variant has not been reported in the literature in individuals affected with FAT4-related conditions. ClinVar contains an entry for this variant (Variation ID: 1440400). Algorithms developed to predict the effect of missense changes on protein structure and function are either unavailable or do not agree on the potential impact of this missense change (SIFT: "Not Available"; PolyPhen-2: "Possibly Damaging"; Align-GVGD: "Not Available"). In summary, the available evidence is currently insufficient to determine the role of this variant in disease. Therefore, it has been classified as a Variant of Uncertain Significance.

NM_001291303.3(FAT4):c.9496_9497delinsGC (p.Ile3166Ala)

Gene: FAT4 (FAT atypical cadherin 4; plus strand). Cytogenetic location: 4q28.1.
Variant type: Indel.
Coding change: c.9496_9497delinsGC on transcript NM_001291303.3 (MANE Select); coding-DNA positions 9496 to 9497, AT replaced by GC.
Protein change: p.Ile3166Ala; replaces isoleucine 3166 with alanine.
Molecular consequence: missense variant.
Genome position (GRCh38, 1-based): chr4:125,450,506-125,450,507, AT replaced by GC. VCF-style: chr4-125450506-AT-GC. GRCh37 (hg19) VCF-style: chr4-126371661-AT-GC.
Other names: c.9496_9497delinsGC, p.Ile3166Ala (NM_001291285.3); c.9490_9491delinsGC, p.Ile3164Ala (NM_024582.6); short protein forms I3164A, I3166A.
Identifiers: ClinVar variation 1440400 (VCV001440400.3), dbSNP rs2126059532, ClinGen allele CA2573138036.